The following is an entry in ClinVar:

NM_004446.3(EPRS1):c.804T>C (p.Tyr268=)

Gene: EPRS1 (glutamyl-prolyl-tRNA synthetase 1; minus strand). Cytogenetic location: 1q41.
Variant type: single nucleotide variant.
Coding change: c.804T>C on transcript NM_004446.3 (MANE Select); coding-DNA position 804, T replaced by C.
Protein change: p.Tyr268=; no amino-acid change (tyrosine 268 retained).
Molecular consequence: synonymous variant.
Genome position (GRCh38, 1-based): chr1:220,024,403, A>G on the plus strand (T>C on the coding strand, the complement: EPRS1 is on the minus strand). VCF-style: chr1-220024403-A-G. GRCh37 (hg19) VCF-style: chr1-220197745-A-G.
Other names: c.804T>C (NM_004446.2).
Identifiers: ClinVar variation 2177295 (VCV002177295.6), dbSNP rs767163148, ClinGen allele CA1400441.
Genomic context (GRCh38, chr1:220,024,403, plus strand): 5'-CTTCCCTTCTTGAATTAGCTTCTCTGCATACTTCATTATAGTTTCAAAATGATCCGAAGT[A>G]TAAGTAAATTGATCTGGTTTGATATGCAACATTGCAACATCTTCCAAGATAACCTGTAGT-3'
Protein context (NP_004437.2, residues 258-278): MLHIKPDQFT[Tyr268=]TSDHFETIMK

ClinVar aggregate classification (germline): Likely benign. Review status: criteria provided, single submitter (1 of 4 stars). 2 submissions from 2 submitters: Likely benign (1). 1 of the submissions does not count toward it. Last evaluated 2025-12-31.

Conditions:
EPRS1-related disorder. Also called: EPRS1-related condition.

Allele frequency attached by ClinVar (database versions not stated): gnomAD exomes below 0.00001; ExAC 0.00001; gnomAD 0.00001.
gnomAD v4.1: 8 of 1,611,576 alleles (0.0005%); highest among the groups gnomAD compares: Middle Eastern, 0.017%; no homozygotes.

Submissions (2):

Labcorp Genetics (formerly Invitae), Labcorp
Classification: Likely benign. Last evaluated: 2025-12-31. Review status: criteria provided, single submitter. Criteria: Invitae Variant Classification Sherloc (09022015). Collection method: clinical testing. Allele origin: germline.

PreventionGenetics, part of Exact Sciences
Classification: Likely benign for EPRS1-related condition. Last evaluated: 2019-06-24. Review status: no assertion criteria provided. Collection method: clinical testing. Allele origin: germline. Not counted in ClinVar's aggregate classification.
Comment: This variant is classified as likely benign based on ACMG/AMP sequence variant interpretation guidelines (Richards et al. 2015 PMID: 25741868, with internal and published modifications).